The following is an entry in ClinVar:

NM_033004.4(NLRP1):c.3335A>G (p.Asn1112Ser)

Gene: NLRP1 (NLR family pyrin domain containing 1; minus strand). Cytogenetic location: 17p13.2.
Variant type: single nucleotide variant.
Coding change: c.3335A>G on transcript NM_033004.4 (MANE Select); coding-DNA position 3335, A replaced by G.
Protein change: p.Asn1112Ser; replaces asparagine 1112 with serine.
Molecular consequence: missense variant.
Genome position (GRCh38, 1-based): chr17:5,530,666, T>C on the plus strand (A>G on the coding strand, the complement: NLRP1 is on the minus strand). VCF-style: chr17-5530666-T-C. GRCh37 (hg19) VCF-style: chr17-5433986-T-C.
Other names: c.3347A>G, p.Asn1116Ser (NM_001033053.3); c.3335A>G, p.Asn1112Ser (NM_014922.5); c.3245A>G, p.Asn1082Ser (NM_033006.4, NM_033007.4); short protein forms N1112S, N1082S, N1116S.
Identifiers: ClinVar variation 2190650 (VCV002190650.4), dbSNP rs202204276, ClinGen allele CA8326851.
Genomic context (GRCh38, chr17:5,530,666, plus strand): 5'-CACACACAGAATTCAATCTCAACGGTCACCGCTTCTCTCATCACAAAGCAGAGACCCGTG[T>C]TGGGCCAGCGGTAGGAGCCAGCTACAGGGAAGTGAACTCTGGGAAGAAGAGGGAGAGGCA-3'
Protein context (NP_127497.1, residues 1102-1122): FPVAGSYRWP[Asn1112Ser]TGLCFVMREA

ClinVar aggregate classification (germline): Uncertain significance (1 of 4 stars; one submission).

Allele frequency attached by ClinVar (database versions not stated): gnomAD exomes below 0.00001; gnomAD 0.00001; TOPMed 0.00001; ExAC 0.00002.
gnomAD v4.1: 7 of 1,614,060 alleles (0.00043%); highest among the groups gnomAD compares: Admixed American, 0.0067%; no homozygotes.

Submission:

Labcorp Genetics (formerly Invitae), Labcorp
Classification: Uncertain significance. Last evaluated: 2025-01-23. Review status: criteria provided, single submitter. Criteria: Invitae Variant Classification Sherloc (09022015). Collection method: clinical testing. Allele origin: germline.
Comment: This sequence change replaces asparagine, which is neutral and polar, with serine, which is neutral and polar, at codon 1112 of the NLRP1 protein (p.Asn1112Ser). This variant is present in population databases (rs202204276, gnomAD 0.009%). This variant has not been reported in the literature in individuals affected with NLRP1-related conditions. ClinVar contains an entry for this variant (Variation ID: 2190650). An algorithm developed to predict the effect of missense changes on protein structure and function outputs the following: PolyPhen-2: "Benign". The serine amino acid residue is found in multiple mammalian species, which suggests that this missense change does not adversely affect protein function. In summary, the available evidence is currently insufficient to determine the role of this variant in disease. Therefore, it has been classified as a Variant of Uncertain Significance.